The following is an entry in ClinVar:

ClinVar aggregate classification (germline): Benign. Review status: criteria provided, multiple submitters, no conflicts (2 of 4 stars). 3 submissions from 2 submitters: Benign (3). Last evaluated 2026-02-02.

Conditions:
Laryngo-onycho-cutaneous syndrome (JEB2C). Also called: LOGIC SYNDROME; EPIDERMOLYSIS BULLOSA, JUNCTIONAL 2C, LARYNGOONYCHOCUTANEOUS; SHABBIR SYNDROME. Identifiers: Orphanet 2407, MedGen C1328355, MONDO:0009513, OMIM 245660.
Junctional epidermolysis bullosa gravis of Herlitz. Also called: EPIDERMOLYSIS BULLOSA JUNCTIONALIS, HERLITZ TYPE; EPIDERMOLYSIS BULLOSA, JUNCTIONAL, HERLITZ-PEARSON TYPE; JEB-HERLITZ TYPE; Epidermolysis Bullosa Letalis; Herlitz-type junctional epidermolysis bullosa; EPIDERMOLYSIS BULLOSA, JUNCTIONAL 1B, SEVERE. Identifiers: Orphanet 79404, MedGen C0079683, MONDO:0009182, OMIM 226700.

Allele frequency attached by ClinVar (database versions not stated): ESP Exome Variant Server 0.00015; gnomAD 0.00126 and 0.00255; TOPMed 0.00178; gnomAD exomes 0.00287 and 0.00674; ExAC 0.00680; 1000 Genomes Project 0.01018; 1000 Genomes Project 30x 0.01062.
gnomAD v4.1: 4,607 of 1,614,224 alleles (0.29%); highest among the groups gnomAD compares: East Asian, 3.3%; 84 homozygotes.

Submissions (3):

Labcorp Genetics (formerly Invitae), Labcorp
Classification: Benign. Last evaluated: 2026-02-02. Review status: criteria provided, single submitter. Criteria: Invitae Variant Classification Sherloc (09022015). Collection method: clinical testing. Allele origin: germline.

Illumina Laboratory Services, Illumina
Classification: Benign for Laryngo-onycho-cutaneous syndrome. Last evaluated: 2018-01-13. Review status: criteria provided, single submitter. Criteria: ICSL Variant Classification Criteria 13 December 2019. Collection method: clinical testing. Allele origin: germline.
Comment: This variant was observed in the ICSL laboratory as part of a predisposition screen in an ostensibly healthy population. It had not been previously curated by ICSL or reported in the Human Gene Mutation Database (HGMD: prior to June 1st, 2018), and was therefore a candidate for classification through an automated scoring system. Utilizing variant allele frequency, disease prevalence and penetrance estimates, and inheritance mode, an automated score was calculated to assess if this variant is too frequent to cause the disease. Based on the score and internal cut-off values, a variant classified as benign is not then subjected to further curation. The score for this variant resulted in a classification of benign for this disease.

Illumina Laboratory Services, Illumina
Classification: Benign for Junctional epidermolysis bullosa gravis of Herlitz. Last evaluated: 2018-01-13. Review status: criteria provided, single submitter. Criteria: ICSL Variant Classification Criteria 13 December 2019. Collection method: clinical testing. Allele origin: germline.
Comment: the same text as in the submission from Illumina Laboratory Services, Illumina above.

NM_000227.6(LAMA3):c.110T>G (p.Phe37Cys)

Genes: LAMA3 (laminin subunit alpha 3; plus strand), LOC126862707 (MED14-independent group 3 enhancer GRCh37_chr18:21452354-21453553; plus strand). Cytogenetic location: 18q11.2.
Variant type: single nucleotide variant.
Coding change: c.110T>G on transcript NM_000227.6 (MANE Plus Clinical); coding-DNA position 110, T replaced by G.
Protein change: p.Phe37Cys; replaces phenylalanine 37 with cysteine.
Molecular consequence: missense variant. On other transcripts: intron variant (2).
Genome position (GRCh38, 1-based): chr18:23,873,154, T>G. VCF-style: chr18-23873154-T-G. GRCh37 (hg19) VCF-style: chr18-21453118-T-G.
Other names: c.110T>G, p.Phe37Cys (NM_001127718.4); c.4998+1493T>G (NM_198129.4, NM_001127717.4); short protein forms F37C.
Identifiers: ClinVar variation 326292 (VCV000326292.15), dbSNP rs138914132, ClinGen allele CA8915821.
Genomic context (GRCh38, chr18:23,873,154, plus strand): 5'-TCTTTGGGGCAGCCCTGGGGCAGTGTCTGGGCTACAGTTCACAGCAGCAAAGGGTGCCAT[T>G]TCTTCAGCCTCCCGGTCAAAGTCAACTGCAAGCGAGTTATGTGGAGTTTAGACCCAGCCA-3'
Protein context (NP_000218.3, residues 27-47): GYSSQQQRVP[Phe37Cys]LQPPGQSQLQ